The following is an entry in ClinVar:

ClinVar aggregate classification (germline): Uncertain significance (1 of 4 stars; one submission).

Allele frequency attached by ClinVar (database versions not stated): ExAC 0.00001.
gnomAD v4.1: 15 of 1,556,812 alleles (0.00096%); highest among the groups gnomAD compares: East Asian, 0.036%; no homozygotes.

Submission:

Labcorp Genetics (formerly Invitae), Labcorp
Classification: Uncertain significance. Last evaluated: 2022-02-20. Review status: criteria provided, single submitter. Criteria: Invitae Variant Classification Sherloc (09022015). Collection method: clinical testing. Allele origin: germline.
Comment: This sequence change replaces arginine, which is basic and polar, with tryptophan, which is neutral and slightly polar, at codon 137 of the LTBP2 protein (p.Arg137Trp). The frequency data for this variant in the population databases is considered unreliable, as metrics indicate poor data quality at this position in the gnomAD database. This variant has not been reported in the literature in individuals affected with LTBP2-related conditions. Algorithms developed to predict the effect of missense changes on protein structure and function (SIFT, PolyPhen-2, Align-GVGD) all suggest that this variant is likely to be disruptive. In summary, the available evidence is currently insufficient to determine the role of this variant in disease. Therefore, it has been classified as a Variant of Uncertain Significance.

NM_000428.3(LTBP2):c.409C>T (p.Arg137Trp)

Gene: LTBP2 (latent transforming growth factor beta binding protein 2; minus strand). Cytogenetic location: 14q24.3.
Variant type: single nucleotide variant.
Coding change: c.409C>T on transcript NM_000428.3 (MANE Select); coding-DNA position 409, C replaced by T.
Protein change: p.Arg137Trp; replaces arginine 137 with tryptophan.
Molecular consequence: missense variant.
Genome position (GRCh38, 1-based): chr14:74,611,536, G>A on the plus strand (C>T on the coding strand, the complement: LTBP2 is on the minus strand). VCF-style: chr14-74611536-G-A. GRCh37 (hg19) VCF-style: chr14-75078239-G-A.
Other names: short protein forms R137W.
Identifiers: ClinVar variation 2100454 (VCV002100454.1), dbSNP rs752572109, ClinGen allele CA7270210.